The following is an entry in ClinVar:

NM_021008.4(DEAF1):c.774C>T (p.Tyr258=)

Gene: DEAF1 (DEAF1 transcription factor; minus strand). Cytogenetic location: 11p15.5.
Variant type: single nucleotide variant.
Coding change: c.774C>T on transcript NM_021008.4 (MANE Select); coding-DNA position 774, C replaced by T.
Protein change: p.Tyr258=; no amino-acid change (tyrosine 258 retained).
Molecular consequence: synonymous variant. On other transcripts: intron variant (1).
Genome position (GRCh38, 1-based): chr11:686,888, G>A on the plus strand (C>T on the coding strand, the complement: DEAF1 is on the minus strand). VCF-style: chr11-686888-G-A. GRCh37 (hg19) VCF-style: chr11-686888-G-A.
Other names: c.48C>T, p.Tyr16= (NM_001367390.1, NM_001440885.1, NM_001440886.1 and 1 more transcripts); c.774C>T, p.Tyr258= (NM_001440883.1, NM_001440884.1); c.664+1023C>T (NM_001293634.2).
Identifiers: ClinVar variation 447242 (VCV000447242.38), dbSNP rs117691319, ClinGen allele CA5786441.
Genomic context (GRCh38, chr11:686,888, plus strand): 5'-GCTGAGCACAGGTGAGGTCACGGACGATACCTGGATGAGGCACTGCAAGGGTCGGCCCGC[G>A]TAGCGAATGCTTCTTTTCCAGTCCTTACTGCTGGCTCTTCCTGCCATGGCCTCAAACTCG-3'
Protein context (NP_066288.2, residues 248-268): SSKDWKRSIR[Tyr258=]AGRPLQCLIQ

ClinVar aggregate classification (germline): Benign/Likely benign. Review status: criteria provided, multiple submitters, no conflicts (2 of 4 stars). 6 submissions from 6 submitters: Benign (4); Likely benign (1). 1 of the submissions does not count toward it. Last evaluated 2026-10-01.

Conditions:
Intellectual disability, autosomal dominant 24 (VSVS). Also called: VULTO-VAN SILFHOUT-DE VRIES SYNDROME. Identifiers: MedGen C4014414, MONDO:0014357, OMIM 615828.
Intellectual disability-epilepsy-extrapyramidal syndrome (NEDHELS). Also called: Dyskinesia, seizures, and intellectual developmental disorder. Identifiers: Orphanet 468620, MedGen C4310683, MONDO:0014952, OMIM 617171.
DEAF1-related disorder.

Allele frequency attached by ClinVar (database versions not stated): ExAC 0.00992; gnomAD 0.00997 and 0.01031; gnomAD exomes 0.01033 and 0.01202; 1000 Genomes Project 30x 0.00328; 1000 Genomes Project 0.00359; TOPMed 0.00833; ESP Exome Variant Server 0.00961.
gnomAD v4.1: 18,935 of 1,614,214 alleles (1.2%); highest among the groups gnomAD compares: Non-Finnish European, 1.3%; 123 homozygotes.

Submissions (6):

CeGaT Center for Human Genetics Tuebingen
Classification: Benign. Last evaluated: 2026-10-01. Review status: criteria provided, single submitter. Criteria: CeGaT Center For Human Genetics Tuebingen Variant Classification Criteria Version 2. Collection method: clinical testing. Allele origin: germline. Affected: yes. Observed: 65 variant alleles.
Comment: DEAF1: BP4, BP7, BS1, BS2

Labcorp Genetics (formerly Invitae), Labcorp
Classification: Benign. Last evaluated: 2026-02-03. Review status: criteria provided, single submitter. Criteria: Invitae Variant Classification Sherloc (09022015). Collection method: clinical testing. Allele origin: germline.

Fulgent Genetics
Classification: Likely benign for Intellectual disability, autosomal dominant 24; Intellectual disability-epilepsy-extrapyramidal syndrome. Last evaluated: 2022-01-21. Review status: criteria provided, single submitter. Criteria: ACMG Guidelines, 2015. Collection method: clinical testing. Allele origin: unknown.

Athena Diagnostics
Classification: Benign. Last evaluated: 2017-07-07. Review status: criteria provided, single submitter. Criteria: Athena Diagnostics Criteria. Collection method: clinical testing. Allele origin: germline.

Breakthrough Genomics
Classification: Benign. Review status: criteria provided, single submitter. Criteria: ACMG Guidelines, 2015. Collection method: not provided. Allele origin: germline. Inheritance: Autosomal recessive inheritance. Affected: yes.

PreventionGenetics, part of Exact Sciences
Classification: Benign for DEAF1-related condition. Last evaluated: 2019-03-08. Review status: no assertion criteria provided. Collection method: clinical testing. Allele origin: germline. Not counted in ClinVar's aggregate classification.
Comment: This variant is classified as benign based on ACMG/AMP sequence variant interpretation guidelines (Richards et al. 2015 PMID: 25741868, with internal and published modifications).